The following is an entry in ClinVar:

ClinVar aggregate classification (germline): Uncertain significance (1 of 4 stars; one submission).

Conditions:
Cardiovascular phenotype. Identifiers: MedGen CN230736.

Allele frequency attached by ClinVar (database versions not stated): gnomAD exomes below 0.00001; ExAC 0.00001.
gnomAD v4.1: 2 of 1,612,644 alleles (0.00012%); highest among the groups gnomAD compares: African/African-American, 0.0013%; no homozygotes.

Submission:

Ambry Genetics
Classification: Uncertain significance for Cardiovascular phenotype. Last evaluated: 2020-05-22. Review status: criteria provided, single submitter. Criteria: Ambry Variant Classification Scheme 2023. Collection method: clinical testing. Allele origin: germline.
Comment: The p.H237N variant (also known as c.709C>A), located in coding exon 7 of the TECRL gene, results from a C to A substitution at nucleotide position 709. The histidine at codon 237 is replaced by asparagine, an amino acid with similar properties. This amino acid position is highly conserved in available vertebrate species. In addition, this alteration is predicted to be tolerated by in silico analysis. Since supporting evidence is limited at this time, the clinical significance of this alteration remains unclear.

NM_001010874.5(TECRL):c.709C>A (p.His237Asn)

Gene: TECRL (trans-2,3-enoyl-CoA reductase like; minus strand). Cytogenetic location: 4q13.1.
Variant type: single nucleotide variant.
Coding change: c.709C>A on transcript NM_001010874.5 (MANE Select); coding-DNA position 709, C replaced by A.
Protein change: p.His237Asn; replaces histidine 237 with asparagine.
Molecular consequence: missense variant.
Genome position (GRCh38, 1-based): chr4:64,305,187, G>T on the plus strand (C>A on the coding strand, the complement: TECRL is on the minus strand). VCF-style: chr4-64305187-G-T. GRCh37 (hg19) VCF-style: chr4-65170905-G-T.
Other names: c.709C>A, p.His237Asn (NM_001363796.1); short protein forms H237N.
Identifiers: ClinVar variation 1757130 (VCV001757130.2), dbSNP rs766522427, ClinGen allele CA2935421.